The following is an entry in ClinVar:

NM_016111.4(TELO2):c.154GAG[1] (p.Glu53del)

Gene: TELO2 (telomere maintenance 2; plus strand). Cytogenetic location: 16p13.3.
Variant type: Microsatellite.
Coding change: c.154GAG[1] on transcript NM_016111.4 (MANE Select); one copy of the 3-base unit GAG starting at c.154; the reference has two copies in a row; one copy, 3 bases deleted.
Protein change: p.Glu53del; deletes glutamic acid 53.
Molecular consequence: inframe deletion.
Genome position (GRCh38, 1-based): chr16:1,494,438-1,494,440, GAG deleted; deleting any 3 consecutive bases within chr16:1,494,433-1,494,440 gives the same sequence; the position shown is the placement nearest the transcript's 3' end. VCF-style (leftmost placement, unchanged base first): chr16-1494432-AAGG-A. GRCh37 (hg19) VCF-style: chr16-1544433-AAGG-A.
Other names: c.154GAG[1], p.Glu53del (NM_001351846.2); short protein forms E53del.
Identifiers: ClinVar variation 4744023 (VCV004744023.1).
Genomic context (GRCh38, chr16:1,494,432, plus strand): 5'-ACCCTGGAGTCCCTGAAGCGGTATCTCGGTGAGATGGAGCCTCCAGCGCTCCCGAGGGAG[AAGG>A]AGGAGTTTGCCTCGGCCCACTTCTCGCCTGTCCTCAGATGTCTTGCCAGCAGGCTGAGCC-3'

ClinVar aggregate classification (germline): Uncertain significance (1 of 4 stars; one submission).

Submission:

Labcorp Genetics (formerly Invitae), Labcorp
Classification: Uncertain significance. Last evaluated: 2025-07-25. Review status: criteria provided, single submitter. Criteria: Invitae Variant Classification Sherloc (09022015). Collection method: clinical testing. Allele origin: germline.
Comment: This variant, c.157_159del, results in the deletion of 1 amino acid(s) of the TELO2 protein (p.Glu53del), but otherwise preserves the integrity of the reading frame. This variant is present in population databases (rs750631912, gnomAD 0.008%). This variant has not been reported in the literature in individuals affected with TELO2-related conditions. Experimental studies and prediction algorithms are not available or were not evaluated, and the functional significance of this variant is currently unknown. In summary, the available evidence is currently insufficient to determine the role of this variant in disease. Therefore, it has been classified as a Variant of Uncertain Significance.